The following is an entry in ClinVar:

NM_004006.3(DMD):c.5100_5101del (p.Leu1701fs)

Gene: DMD (dystrophin; minus strand). Cytogenetic location: Xp21.1.
Variant type: Microsatellite.
Coding change: c.5100_5101del on transcript NM_004006.3 (MANE Select); coding-DNA positions 5100 to 5101, 2 bases deleted (AC; older notation c.5100_5101delAC).
Protein change: p.Leu1701fs; shifts the reading frame from leucine 1701.
Molecular consequence: frameshift variant.
Genome position (GRCh38, 1-based): chrX:32,364,635-32,364,636, GT deleted on the plus strand (AC on the coding strand, the reverse complement: DMD is on the minus strand); deleting any 2 consecutive bases within chrX:32,364,635-32,364,640 gives the same sequence; the c. name uses the placement nearest the transcript's 3' end. VCF-style (leftmost placement, unchanged base first): chrX-32364634-AGT-A. GRCh37 (hg19) VCF-style: chrX-32382751-AGT-A.
Other names: c.5100_5101delAC (NM_004006.2); c.5076_5077del, p.Leu1693fs (NM_000109.4); c.5088_5089del, p.Leu1697fs (NM_004009.3); c.4731_4732del, p.Leu1578fs (NM_004010.3); c.1077_1078del, p.Leu360fs (NM_004011.4); c.1068_1069del, p.Leu357fs (NM_004012.4); short protein forms L1701fs, L1578fs, L1697fs, L360fs, L1693fs, L357fs.
Identifiers: ClinVar variation 409925 (VCV000409925.10), dbSNP rs1060502647, ClinGen allele CA16616678.

ClinVar aggregate classification (germline): Pathogenic (1 of 4 stars; one submission).

Conditions:
Duchenne muscular dystrophy (DMD). Also called: MUSCULAR DYSTROPHY, PSEUDOHYPERTROPHIC PROGRESSIVE, DUCHENNE TYPE; Duchenne Muscular Dystrophy (DMD). Identifiers: Orphanet 98896, MedGen C0013264, MONDO:0010679, OMIM 310200.

Submission:

Labcorp Genetics (formerly Invitae), Labcorp
Classification: Pathogenic for Duchenne muscular dystrophy. Last evaluated: 2019-07-15. Review status: criteria provided, single submitter. Criteria: Invitae Variant Classification Sherloc (09022015). Collection method: clinical testing. Allele origin: germline.
Comment: For these reasons, this variant has been classified as Pathogenic. While this particular variant has not been reported in the literature, loss-of-function variants in DMD are known to be pathogenic (PMID: 16770791). This sequence change deletes 2 nucleotides in exon 36 of the DMD gene (c.5100_5101delAC), causing a frameshift at codon 1701. This creates a premature translational stop signal (p.Leu1701Phefs*3) and is expected to result in an absent or disrupted protein product.

Literature cited by the submitters: PubMed 16770791.